The following is an entry in ClinVar:

NM_001257096.2(PAX1):c.680G>T (p.Ser227Ile)

Gene: PAX1 (paired box 1; plus strand). Cytogenetic location: 20p11.22.
Variant type: single nucleotide variant.
Coding change: c.680G>T on transcript NM_001257096.2 (MANE Select); coding-DNA position 680, G replaced by T.
Protein change: p.Ser227Ile; replaces serine 227 with isoleucine.
Molecular consequence: missense variant.
Genome position (GRCh38, 1-based): chr20:21,706,831, G>T. VCF-style: chr20-21706831-G-T. GRCh37 (hg19) VCF-style: chr20-21687469-G-T.
Other names: c.680G>T, p.Ser227Ile (NM_006192.5); c.680G>T (NM_006192.3); short protein forms S227I.
Identifiers: ClinVar variation 1470910 (VCV001470910.8), dbSNP rs778686019, ClinGen allele CA9786535.
Genomic context (GRCh38, chr20:21,706,831, plus strand): 5'-ACAAGTACAATGTGCCTTCGGTGAGCTCCATCAGCCGCATCCTGCGCAACAAGATCGGCA[G>T]CCTGGCGCAGCCCGGACCGTACGAGGCAAGTAAGCAGCCGCCGTCGCAGCCTACGCTGCC-3'
Protein context (NP_001244025.1, residues 217-237): ISRILRNKIG[Ser227Ile]LAQPGPYEAS

ClinVar aggregate classification (germline): Uncertain significance. Review status: criteria provided, multiple submitters, no conflicts (2 of 4 stars). 2 submissions from 2 submitters: Uncertain significance (2). Last evaluated 2025-04-05.

Conditions:
Inborn genetic diseases. Identifiers: MedGen C0950123, MeSH D030342.

Allele frequency attached by ClinVar (database versions not stated): ExAC 0.00001; gnomAD 0.00001; TOPMed 0.00001; gnomAD exomes 0.00001.

Submissions (2):

Ambry Genetics
Classification: Uncertain significance for Inborn genetic diseases. Last evaluated: 2025-04-05. Review status: criteria provided, single submitter. Criteria: Ambry Variant Classification Scheme 2023. Collection method: clinical testing. Allele origin: germline.

Labcorp Genetics (formerly Invitae), Labcorp
Classification: Uncertain significance. Last evaluated: 2022-07-14. Review status: criteria provided, single submitter. Criteria: Invitae Variant Classification Sherloc (09022015). Collection method: clinical testing. Allele origin: germline.
Comment: Algorithms developed to predict the effect of missense changes on protein structure and function are either unavailable or do not agree on the potential impact of this missense change (SIFT: "Deleterious"; PolyPhen-2: "Benign"; Align-GVGD: "Class C0"). ClinVar contains an entry for this variant (Variation ID: 1470910). This variant has not been reported in the literature in individuals affected with PAX1-related conditions. This variant is present in population databases (rs778686019, gnomAD 0.004%). This sequence change replaces serine, which is neutral and polar, with isoleucine, which is neutral and non-polar, at codon 227 of the PAX1 protein (p.Ser227Ile). In summary, the available evidence is currently insufficient to determine the role of this variant in disease. Therefore, it has been classified as a Variant of Uncertain Significance.